The following is an entry in ClinVar:

ClinVar aggregate classification (germline): Uncertain significance (1 of 4 stars; one submission).

Conditions:
MHC class II deficiency. Also called: Bare lymphocyte syndrome 2; BLS, TYPE II. Identifiers: Orphanet 572, MedGen C5447452, MONDO:0008855.

Allele frequency attached by ClinVar (database versions not stated): gnomAD exomes below 0.00001; gnomAD 0.00001; TOPMed 0.00001.
gnomAD v4.1: 3 of 1,614,050 alleles (0.00019%); highest among the groups gnomAD compares: African/African-American, 0.0027%; no homozygotes.

Submission:

Labcorp Genetics (formerly Invitae), Labcorp
Classification: Uncertain significance for MHC class II deficiency. Last evaluated: 2023-02-09. Review status: criteria provided, single submitter. Criteria: Invitae Variant Classification Sherloc (09022015). Collection method: clinical testing. Allele origin: germline.
Comment: This sequence change replaces serine, which is neutral and polar, with asparagine, which is neutral and polar, at codon 566 of the RFX5 protein (p.Ser566Asn). This variant is not present in population databases (gnomAD no frequency). This variant has not been reported in the literature in individuals affected with RFX5-related conditions. Algorithms developed to predict the effect of missense changes on protein structure and function are either unavailable or do not agree on the potential impact of this missense change (SIFT: "Tolerated"; PolyPhen-2: "Probably Damaging"; Align-GVGD: "Class C0"). In summary, the available evidence is currently insufficient to determine the role of this variant in disease. Therefore, it has been classified as a Variant of Uncertain Significance.

NM_001025603.2(RFX5):c.1697G>A (p.Ser566Asn)

Gene: RFX5 (regulatory factor X5; minus strand). Cytogenetic location: 1q21.3.
Variant type: single nucleotide variant.
Coding change: c.1697G>A on transcript NM_001025603.2 (MANE Select); coding-DNA position 1697, G replaced by A.
Protein change: p.Ser566Asn; replaces serine 566 with asparagine.
Molecular consequence: missense variant.
Genome position (GRCh38, 1-based): chr1:151,342,340, C>T on the plus strand (G>A on the coding strand, the complement: RFX5 is on the minus strand). VCF-style: chr1-151342340-C-T. GRCh37 (hg19) VCF-style: chr1-151314816-C-T.
Other names: c.1697G>A, p.Ser566Asn (NM_000449.4, NM_001379412.1, NM_001379413.1 and 5 more transcripts); c.1577G>A, p.Ser526Asn (NM_001379419.1, NM_001379420.1); short protein forms S526N, S566N.
Identifiers: ClinVar variation 3022717 (VCV003022717.1), dbSNP rs1406372588, ClinGen allele CA341924128.